The following is an entry in ClinVar:

ClinVar aggregate classification (germline): Uncertain significance (1 of 4 stars; one submission).

Allele frequency attached by ClinVar (database versions not stated): gnomAD exomes below 0.00001.
gnomAD v4.1: 1 of 1,613,920 alleles (0.000062%); highest among the groups gnomAD compares: Non-Finnish European, 0.000085%; no homozygotes.

Submission:

Labcorp Genetics (formerly Invitae), Labcorp
Classification: Uncertain significance. Last evaluated: 2022-05-29. Review status: criteria provided, single submitter. Criteria: Invitae Variant Classification Sherloc (09022015). Collection method: clinical testing. Allele origin: germline.
Comment: This sequence change replaces alanine, which is neutral and non-polar, with aspartic acid, which is acidic and polar, at codon 183 of the DNM1L protein (p.Ala183Asp). This variant is present in population databases (no rsID available, gnomAD 0.0009%). This variant has not been reported in the literature in individuals affected with DNM1L-related conditions. Algorithms developed to predict the effect of missense changes on protein structure and function (SIFT, PolyPhen-2, Align-GVGD) all suggest that this variant is likely to be disruptive. In summary, the available evidence is currently insufficient to determine the role of this variant in disease. Therefore, it has been classified as a Variant of Uncertain Significance.

NM_012062.5(DNM1L):c.548C>A (p.Ala183Asp)

Gene: DNM1L (dynamin 1 like; plus strand). Cytogenetic location: 12p11.21.
Variant type: single nucleotide variant.
Coding change: c.548C>A on transcript NM_012062.5 (MANE Select); coding-DNA position 548, C replaced by A.
Protein change: p.Ala183Asp; replaces alanine 183 with aspartic acid.
Molecular consequence: missense variant. On other transcripts: intron variant (1).
Genome position (GRCh38, 1-based): chr12:32,713,300, C>A. VCF-style: chr12-32713300-C-A. GRCh37 (hg19) VCF-style: chr12-32866234-C-A.
Other names: c.548C>A, p.Ala183Asp (NM_001278463.2, NM_005690.5, NM_012063.4); c.587C>A, p.Ala196Asp (NM_001278464.2, NM_001278465.2, NM_001330380.2); c.131+5887C>A (NM_001278466.2); short protein forms A183D, A196D.
Identifiers: ClinVar variation 2000787 (VCV002000787.4), dbSNP rs1170370521, ClinGen allele CA384367630.